The following is an entry in ClinVar:

NM_005334.3(HCFC1):c.1232C>T (p.Ser411Phe)

Gene: HCFC1 (host cell factor C1; minus strand). Cytogenetic location: Xq28.
Variant type: single nucleotide variant.
Coding change: c.1232C>T on transcript NM_005334.3 (MANE Select); coding-DNA position 1232, C replaced by T.
Protein change: p.Ser411Phe; replaces serine 411 with phenylalanine.
Molecular consequence: missense variant.
Genome position (GRCh38, 1-based): chrX:153,960,014, G>A on the plus strand (C>T on the coding strand, the complement: HCFC1 is on the minus strand). VCF-style: chrX-153960014-G-A. GRCh37 (hg19) VCF-style: chrX-153225465-G-A.
Other names: c.1232C>T, p.Ser411Phe (NM_001410705.1); short protein forms S411F.
Identifiers: ClinVar variation 2509682 (VCV002509682.3), dbSNP rs782297889, ClinGen allele CA10557535.
Genomic context (GRCh38, chrX:153,960,014, plus strand): 5'-GCTGGGGCAGGGCTCTTGGGAGGGTTGGCAGGCACAGATGGGACCGGATTGGGTGTAGGG[G>A]AGGTGGCAGTAGCAGCCGTGGCAGGAATGTCATATTTCTGGAGCTGGAGAAGGTAGCTGT-3'
Protein context (NP_005325.2, residues 401-421): DIPATAATAT[Ser411Phe]PTPNPVPSVP

ClinVar aggregate classification (germline): Uncertain significance. Review status: criteria provided, multiple submitters, no conflicts (2 of 4 stars). 2 submissions from 2 submitters: Uncertain significance (2). Last evaluated 2023-11-06.

Conditions:
Inborn genetic diseases. Identifiers: MedGen C0950123, MeSH D030342.

Allele frequency attached by ClinVar (database versions not stated): gnomAD exomes below 0.00001; ExAC 0.00001.
gnomAD v4.1: 4 of 1,210,996 alleles (0.00033%); highest among the groups gnomAD compares: Non-Finnish European, 0.00045%; no homozygotes.

Submissions (2):

GeneDx
Classification: Uncertain significance. Last evaluated: 2023-11-06. Review status: criteria provided, single submitter. Criteria: GeneDx Variant Classification Process June 2021. Collection method: clinical testing. Allele origin: germline. Affected: yes.
Comment: Not observed at significant frequency in large population cohorts (gnomAD); In silico analysis supports that this missense variant does not alter protein structure/function; Has not been previously published as pathogenic or benign to our knowledge

Ambry Genetics
Classification: Uncertain significance for Inborn genetic diseases. Last evaluated: 2023-06-06. Review status: criteria provided, single submitter. Criteria: Ambry Variant Classification Scheme 2023. Collection method: clinical testing. Allele origin: germline.